The following is an entry in ClinVar:

NM_012330.4(KAT6B):c.5381T>C (p.Leu1794Ser)

Gene: KAT6B (lysine acetyltransferase 6B; plus strand). Cytogenetic location: 10q22.2.
Variant type: single nucleotide variant.
Coding change: c.5381T>C on transcript NM_012330.4 (MANE Select); coding-DNA position 5381, T replaced by C.
Protein change: p.Leu1794Ser; replaces leucine 1794 with serine.
Molecular consequence: missense variant.
Genome position (GRCh38, 1-based): chr10:75,030,205, T>C. VCF-style: chr10-75030205-T-C. GRCh37 (hg19) VCF-style: chr10-76789963-T-C.
Other names: c.4832T>C, p.Leu1611Ser (NM_001256468.2, NM_001370138.1); c.4505T>C, p.Leu1502Ser (NM_001256469.2, NM_001370139.1, NM_001370140.1 and 2 more transcripts); c.4343T>C, p.Leu1448Ser (NM_001370132.1); c.3692T>C, p.Leu1231Ser (NM_001370133.1); c.3296T>C, p.Leu1099Ser (NM_001370134.1); c.3038T>C, p.Leu1013Ser (NM_001370135.1); c.5381T>C, p.Leu1794Ser (NM_001370136.1, NM_001370137.1); c.4316T>C, p.Leu1439Ser (NM_001370143.1, NM_001370144.1); short protein forms L1013S, L1099S, L1231S, L1439S, L1448S, L1502S, L1611S, L1794S.
Identifiers: ClinVar variation 2640608 (VCV002640608.24), dbSNP rs2549210822, ClinGen allele CA377301034.
Genomic context (GRCh38, chr10:75,030,205, plus strand): 5'-ACTTCACCCCACCCATGCAGCTGGCTGAAATCCCCGAGACGAGCAACGCCAACATTGGCT[T>C]ATACGAGCGAATGGGTCAGAGTGATTTTGGGGCTGGGCATTACCCGCAGCCGTCAGCCAC-3'
Protein context (NP_036462.2, residues 1784-1804): IPETSNANIG[Leu1794Ser]YERMGQSDFG

ClinVar aggregate classification (germline): Uncertain significance (1 of 4 stars; one submission).

Submission:

CeGaT Center for Human Genetics Tuebingen
Classification: Uncertain significance. Last evaluated: 2024-03-01. Review status: criteria provided, single submitter. Criteria: CeGaT Center For Human Genetics Tuebingen Variant Classification Criteria Version 2. Collection method: clinical testing. Allele origin: germline. Affected: yes. Observed: 2 variant alleles.
Comment: KAT6B: PM2